The following is an entry in ClinVar:

ClinVar aggregate classification (germline): Likely benign. Review status: criteria provided, multiple submitters, no conflicts (2 of 4 stars). 2 submissions from 2 submitters: Likely benign (2). Last evaluated 2023-06-26.

Conditions:
Hereditary cancer-predisposing syndrome. Also called: Neoplastic Syndromes, Hereditary; Tumor predisposition; Hereditary Cancer Syndrome; Hereditary neoplastic syndrome. Identifiers: Orphanet 140162, MedGen C0027672, MeSH D009386, MONDO:0015356.
Von Hippel-Lindau syndrome (VHLS). Also called: von Hippel–Lindau syndrome; VHL syndrome; Von Hippel-Lindau. Identifiers: Orphanet 892, MedGen C0019562, MONDO:0008667, OMIM 193300. Disease mechanism: loss of function.

Submissions (2):

All of Us Research Program, National Institutes of Health
Classification: Likely benign for Von Hippel-Lindau syndrome. Last evaluated: 2023-06-26. Review status: criteria provided, single submitter. Criteria: ACMG Guidelines, 2015. Collection method: clinical testing. Allele origin: germline. Inheritance: Autosomal dominant inheritance. Observed: 1 variant allele, 1 heterozygote.
Comment: This study involves interpretation of variants in research participants for the purpose of population health screening. Participant phenotype was not available at the time of variant classification. Additional details can be found in publication PMID: 35346344, PMCID: PMC8962531

Ambry Genetics
Classification: Likely benign for Hereditary cancer-predisposing syndrome. Last evaluated: 2020-11-06. Review status: criteria provided, single submitter. Criteria: Ambry Variant Classification Scheme 2023. Collection method: clinical testing. Allele origin: germline.

NM_000551.4(VHL):c.39A>C (p.Val13=)

Gene: VHL (von Hippel-Lindau tumor suppressor; plus strand). Cytogenetic location: 3p25.3.
Variant type: single nucleotide variant.
Coding change: c.39A>C on transcript NM_000551.4 (MANE Select); coding-DNA position 39, A replaced by C.
Protein change: p.Val13=; no amino-acid change (valine 13 retained).
Molecular consequence: synonymous variant. On other transcripts: non-coding transcript variant (1).
Genome position (GRCh38, 1-based): chr3:10,141,886, A>C. VCF-style: chr3-10141886-A-C. GRCh37 (hg19) VCF-style: chr3-10183570-A-C.
Other names: c.39A>C, p.Val13= (NM_001354723.2, NM_198156.3).
Identifiers: ClinVar variation 1736844 (VCV001736844.3), dbSNP rs996469746, ClinGen allele CA432536163.